The following is an entry in ClinVar:

ClinVar aggregate classification (germline): Benign/Likely benign. Review status: criteria provided, multiple submitters, no conflicts (2 of 4 stars). 3 submissions from 3 submitters: Benign (1); Likely benign (2). Last evaluated 2025-11-22.

Allele frequency attached by ClinVar (database versions not stated): ESP Exome Variant Server 0.00015; 1000 Genomes Project 30x 0.00016; 1000 Genomes Project 0.00020; gnomAD exomes 0.00020 and 0.00034; ExAC 0.00030; gnomAD 0.00046 and 0.00048; TOPMed 0.00049.
gnomAD v4.1: 388 of 1,603,650 alleles (0.024%); highest among the groups gnomAD compares: Middle Eastern, 0.15%; 1 homozygote.

Submissions (3):

Labcorp Genetics (formerly Invitae), Labcorp
Classification: Benign. Last evaluated: 2025-11-22. Review status: criteria provided, single submitter. Criteria: Invitae Variant Classification Sherloc (09022015). Collection method: clinical testing. Allele origin: germline.

Blueprint Genetics
Classification: Likely benign. Last evaluated: 2024-09-06. Review status: criteria provided, single submitter. Criteria: ACMG Guidelines, 2015. Collection method: clinical testing. Allele origin: germline.

GeneDx
Classification: Likely benign. Last evaluated: 2017-03-28. Review status: criteria provided, single submitter. Criteria: GeneDx Variant Classification (06012015). Collection method: clinical testing. Allele origin: germline. Affected: yes.
Comment: This variant is considered likely benign or benign based on one or more of the following criteria: it is a conservative change, it occurs at a poorly conserved position in the protein, it is predicted to be benign by multiple in silico algorithms, and/or has population frequency not consistent with disease.

NM_006086.4(TUBB3):c.166+12C>T

Gene: TUBB3 (tubulin beta 3 class III; plus strand). Cytogenetic location: 16q24.3.
Variant type: single nucleotide variant.
Coding change: c.166+12C>T on transcript NM_006086.4 (MANE Select); 12 bases into the intron after coding-DNA position 166, C replaced by T.
Molecular consequence: intron variant.
Genome position (GRCh38, 1-based): chr16:89,932,691, C>T. VCF-style: chr16-89932691-C-T. GRCh37 (hg19) VCF-style: chr16-89999099-C-T.
Other names: c.-51+12C>T (NM_001197181.2).
Identifiers: ClinVar variation 508422 (VCV000508422.7), dbSNP rs374561094, ClinGen allele CA8255956.